The following is an entry in ClinVar:

NM_001792.5(CDH2):c.843G>T (p.Lys281Asn)

Gene: CDH2 (cadherin 2; minus strand). Cytogenetic location: 18q12.1.
Variant type: single nucleotide variant.
Coding change: c.843G>T on transcript NM_001792.5 (MANE Select); coding-DNA position 843, G replaced by T.
Protein change: p.Lys281Asn; replaces lysine 281 with asparagine.
Molecular consequence: missense variant.
Genome position (GRCh38, 1-based): chr18:28,005,853, C>A on the plus strand (G>T on the coding strand, the complement: CDH2 is on the minus strand). VCF-style: chr18-28005853-C-A. GRCh37 (hg19) VCF-style: chr18-25585817-C-A.
Other names: c.750G>T, p.Lys250Asn (NM_001308176.2); short protein forms K250N, K281N.
Identifiers: ClinVar variation 4805575 (VCV004805575.1).

ClinVar aggregate classification (germline): Uncertain significance (1 of 4 stars; one submission).

gnomAD v4.1: 1 of 1,609,822 alleles (0.000062%); highest among the groups gnomAD compares: Non-Finnish European, 0.000085%; no homozygotes.

Submission:

Labcorp Genetics (formerly Invitae), Labcorp
Classification: Uncertain significance. Last evaluated: 2025-07-19. Review status: criteria provided, single submitter. Criteria: Invitae Variant Classification Sherloc (09022015). Collection method: clinical testing. Allele origin: germline.
Comment: This sequence change replaces lysine, which is basic and polar, with asparagine, which is neutral and polar, at codon 281 of the CDH2 protein (p.Lys281Asn). This variant is not present in population databases (gnomAD no frequency). This variant has not been reported in the literature in individuals affected with CDH2-related conditions. An algorithm developed to predict the effect of missense changes on protein structure and function (PolyPhen-2) suggests that this variant is likely to be disruptive. In summary, the available evidence is currently insufficient to determine the role of this variant in disease. Therefore, it has been classified as a Variant of Uncertain Significance.